The following is an entry in ClinVar:

NM_001377.3(DYNC2H1):c.8517del (p.Glu2840fs)

Gene: DYNC2H1 (dynein cytoplasmic 2 heavy chain 1; plus strand). Cytogenetic location: 11q22.3.
Variant type: Deletion.
Coding change: c.8517del on transcript NM_001377.3 (MANE Select); coding-DNA position 8517, one base deleted (A; older notation c.8517delA).
Protein change: p.Glu2840fs; shifts the reading frame from glutamic acid 2840.
Molecular consequence: frameshift variant.
Genome position (GRCh38, 1-based): chr11:103,209,938, A deleted; the last of 4 consecutive A bases (chr11:103,209,935-103,209,938); deleting any one gives the same sequence. VCF-style (leftmost placement, unchanged base first): chr11-103209934-GA-G. GRCh37 (hg19) VCF-style: chr11-103080663-GA-G.
Other names: c.8517del, p.Glu2840fs (NM_001080463.2); short protein forms E2840fs.
Identifiers: ClinVar variation 2863704 (VCV002863704.5), dbSNP rs2496401454, ClinGen allele CA2615747753.

ClinVar aggregate classification (germline): Pathogenic. Review status: criteria provided, multiple submitters, no conflicts (2 of 4 stars). 2 submissions from 2 submitters: Pathogenic (2). Last evaluated 2025-05-06.

Conditions:
Jeune thoracic dystrophy. Also called: Jeune syndrome; Infantile thoracic dystrophy; Thoracic pelvic phalangeal dystrophy; Jeune's syndrome; Chondroectodermal dysplasia-like syndrome; Short-rib thoracic dysplasia. Identifiers: Orphanet 474, MedGen C0265275, MONDO:0018770.
Asphyxiating thoracic dystrophy 3. Also called: SHORT-RIB THORACIC DYSPLASIA 3 WITH OR WITHOUT POLYDACTYLY; POLYDACTYLY WITH NEONATAL CHONDRODYSTROPHY, TYPE I; SHORT-RIB THORACIC DYSPLASIA 3/6 WITH POLYDACTYLY, DIGENIC; Short rib polydactyly syndrome 2B; Saldino-Noonan Syndrome. Identifiers: Orphanet 474, Orphanet 93269, Orphanet 93270, Orphanet 93271, MedGen C0036069, MONDO:0013127, OMIM 613091.

Submissions (2):

Myriad Genetics, Inc.
Classification: Pathogenic for Asphyxiating thoracic dystrophy 3. Last evaluated: 2025-05-06. Review status: criteria provided, single submitter. Criteria: Myriad Autosomal Dominant, Autosomal Recessive and X-Linked Classification Criteria (2023). Collection method: clinical testing. Allele origin: unknown.
Comment: NM_001377.2(DYNC2H1):c.8517delA(E2840Kfs*13) is expected to be pathogenic in the context of DYNC2H1-related disorders. This variant is predicted to lead to an abnormal or absent protein product due to the creation of a premature termination codon in DYNC2H1, a gene where loss-of-function variants are known to be pathogenic. Please note: this variant was assessed in the context of healthy population screening.

Labcorp Genetics (formerly Invitae), Labcorp
Classification: Pathogenic for Jeune thoracic dystrophy. Last evaluated: 2023-05-12. Review status: criteria provided, single submitter. Criteria: Invitae Variant Classification Sherloc (09022015). Collection method: clinical testing. Allele origin: germline.
Comment: For these reasons, this variant has been classified as Pathogenic. This variant has not been reported in the literature in individuals affected with DYNC2H1-related conditions. This variant is not present in population databases (gnomAD no frequency). This sequence change creates a premature translational stop signal (p.Glu2840Lysfs*13) in the DYNC2H1 gene. It is expected to result in an absent or disrupted protein product. Loss-of-function variants in DYNC2H1 are known to be pathogenic (PMID: 23339108, 32753734).

Literature cited by the submitters: PubMed 23339108 (cited by Labcorp Genetics (formerly Invitae), Labcorp); PubMed 32753734 (cited by Labcorp Genetics (formerly Invitae), Labcorp).